The following is an entry in ClinVar:

ClinVar aggregate classification (germline): Conflicting classifications of pathogenicity. Review status: criteria provided, conflicting classifications (1 of 4 stars). 3 submissions from 3 submitters: Uncertain significance (1); Likely benign (2). Last evaluated 2026-04-01.

Conditions:
Autosomal recessive limb-girdle muscular dystrophy type 2J (LGMDR10). Also called: Limb-girdle muscular dystrophy, type 2J; MUSCULAR DYSTROPHY, LIMB-GIRDLE, AUTOSOMAL RECESSIVE 10. Identifiers: Orphanet 140922, MedGen C1837342, MONDO:0012127, OMIM 608807.
Dilated cardiomyopathy 1G (CMD1G). Identifiers: Orphanet 154, MedGen C1858763, MONDO:0011400, OMIM 604145.

Allele frequency attached by ClinVar (database versions not stated): TOPMed below 0.00001; gnomAD exomes 0.00001; ExAC 0.00002.
gnomAD v4.1: 5 of 1,534,458 alleles (0.00033%); highest among the groups gnomAD compares: Non-Finnish European, 0.00026%; no homozygotes.

Submissions (3):

CeGaT Center for Human Genetics Tuebingen
Classification: Uncertain significance. Last evaluated: 2026-04-01. Review status: criteria provided, single submitter. Criteria: CeGaT Center For Human Genetics Tuebingen Variant Classification Criteria Version 2. Collection method: clinical testing. Allele origin: germline. Affected: yes. Observed: 1 variant allele.
Comment: TTN: PM2:Supporting, BP4

Labcorp Genetics (formerly Invitae), Labcorp
Classification: Likely benign for Dilated cardiomyopathy 1G; Autosomal recessive limb-girdle muscular dystrophy type 2J. Last evaluated: 2023-07-08. Review status: criteria provided, single submitter. Criteria: Invitae Variant Classification Sherloc (09022015). Collection method: clinical testing. Allele origin: germline.

GeneDx
Classification: Likely benign. Last evaluated: 2018-10-04. Review status: criteria provided, single submitter. Criteria: GeneDx Variant Classification Process June 2021. Collection method: clinical testing. Allele origin: germline. Affected: yes.

NM_001267550.2(TTN):c.65850G>A (p.Lys21950=)

Genes: TTN-AS1 (TTN antisense RNA 1; plus strand), TTN (titin; minus strand). Cytogenetic location: 2q31.2.
Variant type: single nucleotide variant.
Coding change: c.65850G>A on transcript NM_001267550.2 (MANE Select); coding-DNA position 65850, G replaced by A.
Protein change: p.Lys21950=; no amino-acid change (lysine 21950 retained).
Molecular consequence: synonymous variant.
Genome position (GRCh38, 1-based): chr2:178,582,953, C>T on the plus strand (G>A on the coding strand, the complement: TTN is on the minus strand). VCF-style: chr2-178582953-C-T. GRCh37 (hg19) VCF-style: chr2-179447680-C-T.
Other names: c.60927G>A, p.Lys20309= (NM_001256850.1); c.38655G>A, p.Lys12885= (NM_003319.4); c.58146G>A, p.Lys19382= (NM_133378.4); c.39030G>A, p.Lys13010= (NM_133432.3); c.39231G>A, p.Lys13077= (NM_133437.4).
Identifiers: ClinVar variation 1215082 (VCV001215082.8), dbSNP rs757863803, ClinGen allele CA1991638.